The following is an entry in ClinVar:

ClinVar aggregate classification (germline): Uncertain significance. Review status: criteria provided, multiple submitters, no conflicts (2 of 4 stars). 2 submissions from 2 submitters: Uncertain significance (2). Last evaluated 2025-01-23.

Conditions:
Renal cell carcinoma. Identifiers: Orphanet 217071, MedGen C0007134, MeSH D002292, MONDO:0005086, HP:0005584.
Hereditary cancer-predisposing syndrome. Also called: Neoplastic Syndromes, Hereditary; Hereditary neoplastic syndrome; Tumor predisposition; Hereditary Cancer Syndrome. Identifiers: Orphanet 140162, MedGen C0027672, MeSH D009386, MONDO:0015356.

Submissions (2):

Labcorp Genetics (formerly Invitae), Labcorp
Classification: Uncertain significance for Renal cell carcinoma. Last evaluated: 2025-01-23. Review status: criteria provided, single submitter. Criteria: Invitae Variant Classification Sherloc (09022015). Collection method: clinical testing. Allele origin: germline.
Comment: This sequence change replaces methionine, which is neutral and non-polar, with valine, which is neutral and non-polar, at codon 357 of the MET protein (p.Met357Val). This variant is not present in population databases (gnomAD no frequency). This variant has not been reported in the literature in individuals affected with MET-related conditions. ClinVar contains an entry for this variant (Variation ID: 524862). Invitae Evidence Modeling of protein sequence and biophysical properties (such as structural, functional, and spatial information, amino acid conservation, physicochemical variation, residue mobility, and thermodynamic stability) indicates that this missense variant is not expected to disrupt MET protein function with a negative predictive value of 80%. In summary, the available evidence is currently insufficient to determine the role of this variant in disease. Therefore, it has been classified as a Variant of Uncertain Significance.

Hereditary Cancer Laboratory, Hospital Universitario 12 de Octubre
Classification: Uncertain significance for Hereditary cancer-predisposing syndrome. Last evaluated: 2025-01-08. Review status: criteria provided, single submitter. Criteria: ACMG Guidelines, 2015. Collection method: clinical testing. Allele origin: germline.
Comment: PM2+BP4

NM_000245.4(MET):c.1069A>G (p.Met357Val)

Gene: MET (MET proto-oncogene, receptor tyrosine kinase; plus strand). Cytogenetic location: 7q31.2.
Variant type: single nucleotide variant.
Coding change: c.1069A>G on transcript NM_000245.4 (MANE Select); coding-DNA position 1069, A replaced by G.
Protein change: p.Met357Val; replaces methionine 357 with valine.
Molecular consequence: missense variant. On other transcripts: intron variant (1).
Genome position (GRCh38, 1-based): chr7:116,700,153, A>G. VCF-style: chr7-116700153-A-G. GRCh37 (hg19) VCF-style: chr7-116340207-A-G.
Other names: c.1069A>G, p.Met357Val (NM_001127500.3, NM_001324401.3); c.-91+27576A>G (NM_001324402.2); short protein forms M357V.
Identifiers: ClinVar variation 524862 (VCV000524862.11), dbSNP rs1554379058, ClinGen allele CA368970472.
Genomic context (GRCh38, chr7:116,700,153, plus strand): 5'-CTGAATGATGACATTCTTTTCGGGGTGTTCGCACAAAGCAAGCCAGATTCTGCCGAACCA[A>G]TGGATCGATCTGCCATGTGTGCATTCCCTATCAAATATGTCAACGACTTCTTCAACAAGA-3'
Protein context (NP_000236.2, residues 347-367): AQSKPDSAEP[Met357Val]DRSAMCAFPI